The following is an entry in ClinVar:

ClinVar aggregate classification (germline): Uncertain significance (1 of 4 stars; one submission).

Conditions:
Hereditary cancer-predisposing syndrome. Also called: Neoplastic Syndromes, Hereditary; Hereditary Cancer Syndrome; Hereditary neoplastic syndrome; Tumor predisposition. Identifiers: Orphanet 140162, MedGen C0027672, MeSH D009386, MONDO:0015356.

Submission:

Ambry Genetics
Classification: Uncertain significance for Hereditary cancer-predisposing syndrome. Last evaluated: 2023-05-26. Review status: criteria provided, single submitter. Criteria: Ambry Variant Classification Scheme 2023. Collection method: clinical testing. Allele origin: germline.
Comment: The p.M1821K variant (also known as c.5462T>A), located in coding exon 24 of the DICER1 gene, results from a T to A substitution at nucleotide position 5462. The methionine at codon 1821 is replaced by lysine, an amino acid with similar properties. This amino acid position is conserved. In addition, this alteration is predicted to be deleterious by in silico analysis. Since supporting evidence is limited at this time, the clinical significance of this alteration remains unclear.

NM_177438.3(DICER1):c.5462T>A (p.Met1821Lys)

Gene: DICER1 (dicer 1, ribonuclease III; minus strand). Cytogenetic location: 14q32.13.
Variant type: single nucleotide variant.
Coding change: c.5462T>A on transcript NM_177438.3 (MANE Select); coding-DNA position 5462, T replaced by A.
Protein change: p.Met1821Lys; replaces methionine 1821 with lysine.
Molecular consequence: missense variant. On other transcripts: non-coding transcript variant (6), intron variant (1).
Genome position (GRCh38, 1-based): chr14:95,091,268, A>T on the plus strand (T>A on the coding strand, the complement: DICER1 is on the minus strand). VCF-style: chr14-95091268-A-T. GRCh37 (hg19) VCF-style: chr14-95557605-A-T.
Other names: c.5462T>A, p.Met1821Lys (NM_001271282.3, NM_001291628.2, NM_001395677.1 and 8 more transcripts); c.5180T>A, p.Met1727Lys (NM_001395686.1); c.5057T>A, p.Met1686Lys (NM_001395687.1, NM_001395688.1, NM_001395689.1 and 1 more transcripts); c.4895T>A, p.Met1632Lys (NM_001395691.1); c.3779T>A, p.Met1260Lys (NM_001395697.1); c.5365-159T>A (NM_001195573.1); short protein forms M1727K, M1632K, M1821K, M1260K, M1686K.
Identifiers: ClinVar variation 2566208 (VCV002566208.2), dbSNP rs1412965790, ClinGen allele CA390864602.
Genomic context (GRCh38, chr14:95,091,268, plus strand): 5'-AGTGGCCGCATCATGGGATAGTACACCTGCCAGACTGTCTCCAGTGACATCCCACTATCC[A>T]TGTAAATGGCACCAGCAAGCGACTCAAAAATATCCCCCATGGCCTTTGGAACTTCAATAT-3'
Protein context (NP_803187.1, residues 1811-1831): IFESLAGAIY[Met1821Lys]DSGMSLETVW